The following is an entry in ClinVar:

NM_001349253.2(SCN11A):c.2945G>A (p.Arg982Gln)

Gene: SCN11A (sodium voltage-gated channel alpha subunit 11; minus strand). Cytogenetic location: 3p22.2.
Variant type: single nucleotide variant.
Coding change: c.2945G>A on transcript NM_001349253.2 (MANE Select); coding-DNA position 2945, G replaced by A.
Protein change: p.Arg982Gln; replaces arginine 982 with glutamine.
Molecular consequence: missense variant.
Genome position (GRCh38, 1-based): chr3:38,886,129, C>T on the plus strand (G>A on the coding strand, the complement: SCN11A is on the minus strand). VCF-style: chr3-38886129-C-T. GRCh37 (hg19) VCF-style: chr3-38927620-C-T.
Other names: c.2945G>A, p.Arg982Gln (NM_014139.3); short protein forms R982Q.
Identifiers: ClinVar variation 474714 (VCV000474714.39), dbSNP rs562379429, ClinGen allele CA2321919.
Genomic context (GRCh38, chr3:38,886,129, plus strand): 5'-GGAGAAGGTGTGTGGATGAGCCACAAGTTCCTCTGACAACATCCTAGGAAAATTACCTTT[C>T]GGGGATCCTGTATGGTCAGATGAGGCTCATCTTCAGAGAACATGTCAATTTCCACACTTT-3'
Protein context (NP_001336182.1, residues 972-992): DEPHLTIQDP[Arg982Gln]KKSDVTSILS

ClinVar aggregate classification (germline): Conflicting classifications of pathogenicity. Review status: criteria provided, conflicting classifications (1 of 4 stars). 4 submissions from 4 submitters: Uncertain significance (1); Likely benign (3). Last evaluated 2025-04-23.

Conditions:
Inborn genetic diseases. Identifiers: MedGen C0950123, MeSH D030342.
Hereditary sensory and autonomic neuropathy type 7. Also called: Neuropathy, hereditary sensory and autonomic, type VII; HSAN VII. Identifiers: Orphanet 391397, MedGen C3809882, MONDO:0014244, OMIM 615548.
Familial episodic pain syndrome with predominantly lower limb involvement. Also called: Episodic pain syndrome, familial, 3. Identifiers: Orphanet 391384, Orphanet 391392, MedGen C3809899, MONDO:0014247, OMIM 615552.

Allele frequency attached by ClinVar (database versions not stated): ExAC 0.00002; gnomAD exomes 0.00004 and 0.00008; gnomAD 0.00006; TOPMed 0.00006; 1000 Genomes Project 30x 0.00016; 1000 Genomes Project 0.00020.
gnomAD v4.1: 123 of 1,604,558 alleles (0.0077%); highest among the groups gnomAD compares: East Asian, 0.029%; no homozygotes.

Submissions (4):

Women's Health and Genetics/Laboratory Corporation of America, LabCorp
Classification: Likely benign. Last evaluated: 2025-04-23. Review status: criteria provided, single submitter. Criteria: LabCorp Variant Classification Summary - May 2015. Collection method: clinical testing. Allele origin: germline.
Comment: Variant summary: SCN11A c.2945G>A (p.Arg982Gln) results in a conservative amino acid change in the encoded protein sequence. Five of five in-silico tools predict a benign effect of the variant on protein function. The variant allele was found at a frequency of 4e-05 in 250942 control chromosomes. The observed variant frequency is approximately 39.85 fold of the estimated maximal expected allele frequency for a pathogenic variant in SCN11A causing Familial episodic pain syndrome with predominantly lower limb involvement phenotype (1e-06). To our knowledge, no occurrence of c.2945G>A in individuals affected with Familial episodic pain syndrome with predominantly lower limb involvement and no experimental evidence demonstrating its impact on protein function have been reported. ClinVar contains an entry for this variant (Variation ID: 474714). Based on the evidence outlined above, the variant was classified as likely benign.

Labcorp Genetics (formerly Invitae), Labcorp
Classification: Uncertain significance for Familial episodic pain syndrome with predominantly lower limb involvement; Hereditary sensory and autonomic neuropathy type 7. Last evaluated: 2025-01-10. Review status: criteria provided, single submitter. Criteria: Invitae Variant Classification Sherloc (09022015). Collection method: clinical testing. Allele origin: germline.
Comment: This sequence change replaces arginine, which is basic and polar, with glutamine, which is neutral and polar, at codon 982 of the SCN11A protein (p.Arg982Gln). This variant is present in population databases (rs562379429, gnomAD 0.02%). This variant has not been reported in the literature in individuals affected with SCN11A-related conditions. ClinVar contains an entry for this variant (Variation ID: 474714). An algorithm developed to predict the effect of missense changes on protein structure and function outputs the following: PolyPhen-2: "Benign". The glutamine amino acid residue is found in multiple mammalian species, which suggests that this missense change does not adversely affect protein function. In summary, the available evidence is currently insufficient to determine the role of this variant in disease. Therefore, it has been classified as a Variant of Uncertain Significance.

CeGaT Center for Human Genetics Tuebingen
Classification: Likely benign. Last evaluated: 2023-03-01. Review status: criteria provided, single submitter. Criteria: CeGaT Center For Human Genetics Tuebingen Variant Classification Criteria Version 2. Collection method: clinical testing. Allele origin: germline. Affected: yes. Observed: 1 variant allele.
Comment: SCN11A: BP4

Ambry Genetics
Classification: Likely benign for Inborn genetic diseases. Last evaluated: 2021-02-24. Review status: criteria provided, single submitter. Criteria: Ambry Variant Classification Scheme 2023. Collection method: clinical testing. Allele origin: germline.